The following is an entry in ClinVar:

ClinVar aggregate classification (germline): Uncertain significance (1 of 4 stars; one submission).

Conditions:
Catecholaminergic polymorphic ventricular tachycardia 1. Also called: RYR2-Related Catecholaminergic Polymorphic Ventricular Tachycardia; VENTRICULAR TACHYCARDIA, CATECHOLAMINERGIC POLYMORPHIC, 1, WITH OR WITHOUT ATRIAL DYSFUNCTION AND/OR DILATED CARDIOMYOPATHY; VENTRICULAR TACHYCARDIA, STRESS-INDUCED POLYMORPHIC 1. Identifiers: Orphanet 3286, MedGen C1631597, MONDO:0011484, OMIM 604772.

gnomAD v4.1: 1 of 1,613,596 alleles (0.000062%); highest among the groups gnomAD compares: Non-Finnish European, 0.000085%; no homozygotes.

Submission:

Labcorp Genetics (formerly Invitae), Labcorp
Classification: Uncertain significance for Catecholaminergic polymorphic ventricular tachycardia 1. Last evaluated: 2025-11-20. Review status: criteria provided, single submitter. Criteria: Invitae Variant Classification Sherloc (09022015). Collection method: clinical testing. Allele origin: germline.
Comment: This sequence change replaces threonine, which is neutral and polar, with methionine, which is neutral and non-polar, at codon 4063 of the RYR2 protein (p.Thr4063Met). This variant is not present in population databases (gnomAD no frequency). This variant has not been reported in the literature in individuals affected with RYR2-related conditions. Invitae Evidence Modeling of protein sequence and biophysical properties (such as structural, functional, and spatial information, amino acid conservation, physicochemical variation, residue mobility, and thermodynamic stability) indicates that this missense variant is not expected to disrupt RYR2 protein function with a negative predictive value of 95%. In summary, the available evidence is currently insufficient to determine the role of this variant in disease. Therefore, it has been classified as a Variant of Uncertain Significance.

NM_001035.3(RYR2):c.12188C>T (p.Thr4063Met)

Gene: RYR2 (ryanodine receptor 2; plus strand). Cytogenetic location: 1q43.
Variant type: single nucleotide variant.
Coding change: c.12188C>T on transcript NM_001035.3 (MANE Select); coding-DNA position 12188, C replaced by T.
Protein change: p.Thr4063Met; replaces threonine 4063 with methionine.
Molecular consequence: missense variant.
Genome position (GRCh38, 1-based): chr1:237,783,900, C>T. VCF-style: chr1-237783900-C-T. GRCh37 (hg19) VCF-style: chr1-237947200-C-T.
Other names: short protein forms T4063M.
Identifiers: ClinVar variation 4706490 (VCV004706490.1).